The following is an entry in ClinVar:

NM_001079843.3(CASZ1):c.1893G>A (p.Lys631=)

Gene: CASZ1 (castor zinc finger 1; minus strand). Cytogenetic location: 1p36.22.
Variant type: single nucleotide variant.
Coding change: c.1893G>A on transcript NM_001079843.3 (MANE Select); coding-DNA position 1893, G replaced by A.
Protein change: p.Lys631=; no amino-acid change (lysine 631 retained).
Molecular consequence: synonymous variant.
Genome position (GRCh38, 1-based): chr1:10,654,164, C>T on the plus strand (G>A on the coding strand, the complement: CASZ1 is on the minus strand). VCF-style: chr1-10654164-C-T. GRCh37 (hg19) VCF-style: chr1-10714221-C-T.
Other names: c.1893G>A, p.Lys631= (NM_017766.5).
Identifiers: ClinVar variation 770324 (VCV000770324.34), dbSNP rs115296720, ClinGen allele CA584984.

ClinVar aggregate classification (germline): Benign. Review status: criteria provided, multiple submitters, no conflicts (2 of 4 stars). 3 submissions from 3 submitters: Benign (3). Last evaluated 2025-12-19.

Allele frequency attached by ClinVar (database versions not stated): 1000 Genomes Project 30x 0.00172; 1000 Genomes Project 0.00200; ExAC 0.00677; gnomAD exomes 0.00754 and 0.01361; gnomAD 0.00837 and 0.00859; TOPMed 0.00849; ESP Exome Variant Server 0.01069.
gnomAD v4.1: 21,061 of 1,614,218 alleles (1.3%); highest among the groups gnomAD compares: Non-Finnish European, 1.6%; 189 homozygotes.

Submissions (3):

Labcorp Genetics (formerly Invitae), Labcorp
Classification: Benign. Last evaluated: 2025-12-19. Review status: criteria provided, single submitter. Criteria: Invitae Variant Classification Sherloc (09022015). Collection method: clinical testing. Allele origin: germline.

CeGaT Center for Human Genetics Tuebingen
Classification: Benign. Last evaluated: 2024-07-01. Review status: criteria provided, single submitter. Criteria: CeGaT Center For Human Genetics Tuebingen Variant Classification Criteria Version 2. Collection method: clinical testing. Allele origin: germline. Affected: yes. Observed: 4 variant alleles.
Comment: CASZ1: BP4, BP7, BS1, BS2

Breakthrough Genomics
Classification: Benign. Review status: criteria provided, single submitter. Criteria: ACMG Guidelines, 2015. Collection method: not provided. Allele origin: germline. Inheritance: Unknown mechanism. Affected: yes.